The following is an entry in ClinVar:

NM_000138.4(FBN1):c.6497_6616del

Gene: FBN1 (fibrillin 1; minus strand). Cytogenetic location: 15q21.1.
Variant type: Deletion.
Coding change: c.6497_6616del on transcript NM_000138.4; coding-DNA positions 6497 to 6616, 120 bases deleted.
Genome position (GRCh38, 1-based): chr15:48,434,594-48,434,713, 120 bases deleted. GRCh37 (hg19): chr15:48,726,793-48,726,912.
Identifiers: ClinVar variation 560346 (VCV000560346.3), dbSNP rs1566895223, ClinGen allele CA658824936.

ClinVar aggregate classification (germline): Pathogenic (1 of 4 stars; one submission).

Conditions:
Marfan syndrome (MFS). Also called: Marfan syndrome type 1; Marfan's syndrome; Marfan syndrome, classic; FBN1-Related Marfan Syndrome; MARFAN SYNDROME, TYPE I. Identifiers: Orphanet 284963, Orphanet 558, MedGen C0024796, MONDO:0007947, OMIM 154700.

Submission:

Zhou Lab, Center of Laboratory Medicine, Fuwai Hospital
Classification: Pathogenic for Marfan syndrome. Last evaluated: 2018-08-27. Review status: criteria provided, single submitter. Criteria: ACMG Guidelines, 2015. Collection method: research. Allele origin: unknown. Inheritance: Autosomal dominant inheritance. Affected: yes. Observed: 1 variant allele.
Comment: Deletion of exon 54 from gene FBN1.